The following is an entry in ClinVar:

NM_001042492.3(NF1):c.270G>A (p.Leu90=)

Gene: NF1 (neurofibromin 1; plus strand). Cytogenetic location: 17q11.2.
Variant type: single nucleotide variant.
Coding change: c.270G>A on transcript NM_001042492.3 (MANE Select); coding-DNA position 270, G replaced by A.
Protein change: p.Leu90=; no amino-acid change (leucine 90 retained).
Molecular consequence: synonymous variant.
Genome position (GRCh38, 1-based): chr17:31,159,075, G>A. VCF-style: chr17-31159075-G-A. GRCh37 (hg19) VCF-style: chr17-29486093-G-A.
Other names: c.270G>A, p.Leu90= (NM_000267.4, NM_001128147.3).
Identifiers: ClinVar variation 890752 (VCV000890752.10), dbSNP rs2065717955, ClinGen allele CA499232885.
Genomic context (GRCh38, chr17:31,159,075, plus strand): 5'-ATTTGGAGAAGCTGCTGAAAAAAATTTATATCTCTCTCAGTTGATTATATTGGATACACT[G>A]GAAAAATGTCTTGCTGGGGTAAGTAAATTGATCTTAAGTAGGCAGGCTTTGTGAATTTGA-3'
Protein context (NP_001035957.1, residues 80-100): YLSQLIILDT[Leu90=]EKCLAGQPKD

ClinVar aggregate classification (germline): Uncertain significance. Review status: criteria provided, multiple submitters, no conflicts (2 of 4 stars). 7 submissions from 4 submitters: Uncertain significance (7). Last evaluated 2025-03-01.

Conditions:
Cardiovascular phenotype. Identifiers: MedGen CN230736.
Hereditary cancer-predisposing syndrome. Also called: Tumor predisposition; Neoplastic Syndromes, Hereditary; Hereditary Cancer Syndrome; Hereditary neoplastic syndrome. Identifiers: Orphanet 140162, MedGen C0027672, MeSH D009386, MONDO:0015356.
Café-au-lait macules with pulmonary stenosis (WTSN). Also called: PULMONIC STENOSIS WITH CAFE-AU-LAIT SPOTS. Identifiers: MedGen C0553586, MONDO:0008672, OMIM 193520.
Neurofibromatosis, familial spinal (FSNF). Identifiers: Orphanet 636, MedGen C1834235, MONDO:0008078, OMIM 162210. Disease mechanism: loss of function.
Neurofibromatosis-Noonan syndrome (NFNS). Also called: NEUROFIBROMATOSIS WITH NOONAN PHENOTYPE. Identifiers: Orphanet 638, MedGen C2931482, MONDO:0011035, OMIM 601321. Disease mechanism: loss of function.
Neurofibromatosis, type 1 (NF1). Also called: VON RECKLINGHAUSEN DISEASE; NEUROFIBROMATOSIS, TYPE I, SOMATIC; Peripheral type neurofibromatosis; Neurofibromatosis, type I. Identifiers: Orphanet 636, MedGen C0027831, MONDO:0018975, OMIM 162200. Disease mechanism: loss of function.

Allele frequency attached by ClinVar (database versions not stated): gnomAD exomes below 0.00001.
gnomAD v4.1: 1 of 1,608,458 alleles (0.000062%); highest among the groups gnomAD compares: Non-Finnish European, 0.000085%; no homozygotes.

Submissions (7):

Ambry Genetics
Classification: Uncertain significance for Cardiovascular phenotype; Hereditary cancer-predisposing syndrome. Last evaluated: 2025-03-01. Review status: criteria provided, single submitter. Criteria: Ambry Variant Classification Scheme 2023. Collection method: clinical testing. Allele origin: germline.
Comment: The c.270G>A variant (also known as p.L90L), located in coding exon 3 of the NF1 gene, results from a G to A substitution at nucleotide position 270. This nucleotide substitution does not change the leucine at codon 90. This nucleotide position is highly conserved in available vertebrate species. In silico splice site analysis for this alteration is inconclusive; however, direct evidence is insufficient at this time (Ambry internal data). Based on the available evidence, the clinical significance of this variant remains unclear.

Quest Diagnostics Nichols Institute San Juan Capistrano
Classification: Uncertain significance. Last evaluated: 2024-10-09. Review status: criteria provided, single submitter. Criteria: Quest Diagnostics criteria. Collection method: clinical testing. Allele origin: unknown.
Comment: The NF1 c.270G>A (p.Leu90=) synonymous variant has not been reported in individuals with NF1-related conditions in the published literature. It also has not been reported in large, multi-ethnic general populations (Genome Aggregation Database). Analysis of this variant using software algorithms for the prediction of the effect of nucleotide changes on splicing yielded predictions that this variant does not affect NF1 mRNA splicing. Based on the available information, we are unable to determine the clinical significance of this variant.

Labcorp Genetics (formerly Invitae), Labcorp
Classification: Uncertain significance for Neurofibromatosis, type 1. Last evaluated: 2023-06-05. Review status: criteria provided, single submitter. Criteria: Invitae Variant Classification Sherloc (09022015). Collection method: clinical testing. Allele origin: germline.
Comment: In summary, the available evidence is currently insufficient to determine the role of this variant in disease. Therefore, it has been classified as a Variant of Uncertain Significance. Algorithms developed to predict the effect of sequence changes on RNA splicing suggest that this variant may disrupt the consensus splice site. ClinVar contains an entry for this variant (Variation ID: 890752). This variant has not been reported in the literature in individuals affected with NF1-related conditions. This variant is not present in population databases (gnomAD no frequency). This sequence change affects codon 90 of the NF1 mRNA. It is a 'silent' change, meaning that it does not change the encoded amino acid sequence of the NF1 protein.

Illumina Laboratory Services, Illumina
Classification: Uncertain significance for Neurofibromatosis, familial spinal. Last evaluated: 2018-01-13. Review status: criteria provided, single submitter. Criteria: ICSL Variant Classification Criteria 13 December 2019. Collection method: clinical testing. Allele origin: germline.

Illumina Laboratory Services, Illumina
Classification: Uncertain significance for Neurofibromatosis, type 1. Last evaluated: 2018-01-13. Review status: criteria provided, single submitter. Criteria: ICSL Variant Classification Criteria 13 December 2019. Collection method: clinical testing. Allele origin: germline.

Illumina Laboratory Services, Illumina
Classification: Uncertain significance for Neurofibromatosis-Noonan syndrome. Last evaluated: 2018-01-13. Review status: criteria provided, single submitter. Criteria: ICSL Variant Classification Criteria 13 December 2019. Collection method: clinical testing. Allele origin: germline.

Illumina Laboratory Services, Illumina
Classification: Uncertain significance for Café-au-lait macules with pulmonary stenosis. Last evaluated: 2018-01-13. Review status: criteria provided, single submitter. Criteria: ICSL Variant Classification Criteria 13 December 2019. Collection method: clinical testing. Allele origin: germline.